The following is an entry in ClinVar:

ClinVar aggregate classification (germline): Uncertain significance. Review status: criteria provided, multiple submitters, no conflicts (2 of 4 stars). 2 submissions from 2 submitters: Uncertain significance (2). Last evaluated 2024-10-15.

Conditions:
Cardiovascular phenotype. Identifiers: MedGen CN230736.
Hereditary cancer-predisposing syndrome. Also called: Neoplastic Syndromes, Hereditary; Tumor predisposition; Hereditary Cancer Syndrome; Hereditary neoplastic syndrome. Identifiers: Orphanet 140162, MedGen C0027672, MeSH D009386, MONDO:0015356.
Neurofibromatosis, type 1 (NF1). Also called: VON RECKLINGHAUSEN DISEASE; NEUROFIBROMATOSIS, TYPE I, SOMATIC; Neurofibromatosis, type I; Peripheral type neurofibromatosis. Identifiers: Orphanet 636, MedGen C0027831, MONDO:0018975, OMIM 162200. Disease mechanism: loss of function.

Submissions (2):

Labcorp Genetics (formerly Invitae), Labcorp
Classification: Uncertain significance for Neurofibromatosis, type 1. Last evaluated: 2024-10-15. Review status: criteria provided, single submitter. Criteria: Invitae Variant Classification Sherloc (09022015). Collection method: clinical testing. Allele origin: germline.
Comment: This sequence change replaces leucine, which is neutral and non-polar, with phenylalanine, which is neutral and non-polar, at codon 1079 of the NF1 protein (p.Leu1079Phe). This variant is not present in population databases (gnomAD no frequency). This variant has not been reported in the literature in individuals affected with NF1-related conditions. ClinVar contains an entry for this variant (Variation ID: 1729235). Invitae Evidence Modeling of protein sequence and biophysical properties (such as structural, functional, and spatial information, amino acid conservation, physicochemical variation, residue mobility, and thermodynamic stability) indicates that this missense variant is expected to disrupt NF1 protein function with a positive predictive value of 95%. In summary, the available evidence is currently insufficient to determine the role of this variant in disease. Therefore, it has been classified as a Variant of Uncertain Significance.

Ambry Genetics
Classification: Uncertain significance for Cardiovascular phenotype; Hereditary cancer-predisposing syndrome. Last evaluated: 2021-12-03. Review status: criteria provided, single submitter. Criteria: Ambry Variant Classification Scheme 2023. Collection method: clinical testing. Allele origin: germline.
Comment: The p.L1079F variant (also known as c.3235C>T), located in coding exon 25 of the NF1 gene, results from a C to T substitution at nucleotide position 3235. The leucine at codon 1079 is replaced by phenylalanine, an amino acid with highly similar properties. This amino acid position is highly conserved in available vertebrate species. In addition, the in silico prediction for this alteration is inconclusive. Since supporting evidence is limited at this time, the clinical significance of this alteration remains unclear.

NM_001042492.3(NF1):c.3235C>T (p.Leu1079Phe)

Gene: NF1 (neurofibromin 1; plus strand). Cytogenetic location: 17q11.2.
Variant type: single nucleotide variant.
Coding change: c.3235C>T on transcript NM_001042492.3 (MANE Select); coding-DNA position 3235, C replaced by T.
Protein change: p.Leu1079Phe; replaces leucine 1079 with phenylalanine.
Molecular consequence: missense variant.
Genome position (GRCh38, 1-based): chr17:31,232,110, C>T. VCF-style: chr17-31232110-C-T. GRCh37 (hg19) VCF-style: chr17-29559128-C-T.
Other names: c.3235C>T, p.Leu1079Phe (NM_000267.4); short protein forms L1079F.
Identifiers: ClinVar variation 1729235 (VCV001729235.5), dbSNP rs1180864399, ClinGen allele CA398988741.
Genomic context (GRCh38, chr17:31,232,110, plus strand): 5'-TTTTTTTTTTTTTTTTTTTTCAGAGATTTGGACCAGGCAAGCATGGAAGCAGTAGTTTCA[C>T]TTCTAGCTGGTCTCCCTCTGCAGCCTGAAGAAGGAGATGGTGTGGAATTGATGGAAGCCA-3'
Protein context (NP_001035957.1, residues 1069-1089): DQASMEAVVS[Leu1079Phe]LAGLPLQPEE